The following is an entry in ClinVar:

NM_032620.4(GTPBP3):c.290T>C (p.Leu97Pro)

Gene: GTPBP3 (GTP binding protein 3, mitochondrial; plus strand). Cytogenetic location: 19p13.11.
Variant type: single nucleotide variant.
Coding change: c.290T>C on transcript NM_032620.4 (MANE Select); coding-DNA position 290, T replaced by C.
Protein change: p.Leu97Pro; replaces leucine 97 with proline.
Molecular consequence: missense variant.
Genome position (GRCh38, 1-based): chr19:17,338,244, T>C. VCF-style: chr19-17338244-T-C. GRCh37 (hg19) VCF-style: chr19-17449053-T-C.
Other names: c.290T>C, p.Leu97Pro (NM_001128855.3, NM_133644.4); c.356T>C, p.Leu119Pro (NM_001195422.1); short protein forms L119P, L97P.
Identifiers: ClinVar variation 2126050 (VCV002126050.4), dbSNP rs2513203067, ClinGen allele CA404732383.

ClinVar aggregate classification (germline): Uncertain significance (1 of 4 stars; one submission).

Submission:

Labcorp Genetics (formerly Invitae), Labcorp
Classification: Uncertain significance. Last evaluated: 2022-04-13. Review status: criteria provided, single submitter. Criteria: Invitae Variant Classification Sherloc (09022015). Collection method: clinical testing. Allele origin: germline.
Comment: In summary, the available evidence is currently insufficient to determine the role of this variant in disease. Therefore, it has been classified as a Variant of Uncertain Significance. Algorithms developed to predict the effect of missense changes on protein structure and function are either unavailable or do not agree on the potential impact of this missense change (SIFT: "Deleterious"; PolyPhen-2: "Probably Damaging"; Align-GVGD: "Class C15"). This variant has not been reported in the literature in individuals affected with GTPBP3-related conditions. This sequence change replaces leucine, which is neutral and non-polar, with proline, which is neutral and non-polar, at codon 97 of the GTPBP3 protein (p.Leu97Pro). This variant is not present in population databases (gnomAD no frequency).